The following is an entry in ClinVar:

NM_002843.4(PTPRJ):c.10_30dup (p.Leu10_Pro11insAlaAlaArgGluAlaArgLeu)

Genes: PTPRJ (protein tyrosine phosphatase receptor type J; plus strand), LOC130005691 (ATAC-STARR-seq lymphoblastoid silent region 3339; plus strand). Cytogenetic location: 11p11.2.
Variant type: Duplication.
Coding change: c.10_30dup on transcript NM_002843.4 (MANE Select); coding-DNA positions 10 to 30, 21 bases duplicated (GCGGCGCGGGAGGCGCGGCTG).
Protein change: p.Leu10_Pro11insAlaAlaArgGluAlaArgLeu.
Molecular consequence: inframe insertion.
Genome position (GRCh38, 1-based): chr11:47,980,922-47,980,942, GCGGCGCGGGAGGCGCGGCTG duplicated; duplicating any 21 consecutive bases within chr11:47,980,921-47,980,942 gives the same sequence; the c. name uses the placement nearest the transcript's 3' end. VCF-style (leftmost placement, unchanged base first): chr11-47980920-C-CGGCGGCGCGGGAGGCGCGGCT. GRCh37 (hg19) VCF-style: chr11-48002472-C-CGGCGGCGCGGGAGGCGCGGCT.
Other names: c.10_30dup, p.Leu10_Pro11insAlaAlaArgGluAlaArgLeu (NM_001098503.2).
Identifiers: ClinVar variation 4990168 (VCV004990168.1).
Genomic context (GRCh38, chr11:47,980,920, plus strand): 5'-GCACGGCGGGGCCCGATTCGCGCGTCCGGGGCACGTTCCAGGGCGCGCGGGGCATGAAGC[C>CGGCGGCGCGGGAGGCGCGGCT]GGCGGCGCGGGAGGCGCGGCTGCCTCCGCGCTCGCCCGGGCTGCGCTGGGCGCTGCCGCT-3'

ClinVar aggregate classification (germline): Likely benign (1 of 4 stars; one submission).

Conditions:
PTPRJ-related disorder. Also called: PTPRJ-related condition.

Submission:

PreventionGenetics, part of Exact Sciences
Classification: Likely benign for PTPRJ-related condition. Last evaluated: 2025-03-30. Review status: criteria provided, single submitter. Criteria: ACMG Guidelines, 2015. Collection method: clinical testing. Allele origin: germline.
Comment: This variant is classified as likely benign based on ACMG/AMP sequence variant interpretation guidelines (Richards et al. 2015 PMID: 25741868, with internal and published modifications).